The following is an entry in ClinVar:

NM_001429.4(EP300):c.6398T>C (p.Met2133Thr)

Gene: EP300 (EP300 lysine acetyltransferase; plus strand). Cytogenetic location: 22q13.2.
Variant type: single nucleotide variant.
Coding change: c.6398T>C on transcript NM_001429.4 (MANE Select); coding-DNA position 6398, T replaced by C.
Protein change: p.Met2133Thr; replaces methionine 2133 with threonine.
Molecular consequence: missense variant.
Genome position (GRCh38, 1-based): chr22:41,178,109, T>C. VCF-style: chr22-41178109-T-C. GRCh37 (hg19) VCF-style: chr22-41574113-T-C.
Other names: c.6320T>C, p.Met2107Thr (NM_001362843.2); short protein forms M2107T, M2133T.
Identifiers: ClinVar variation 3353440 (VCV003353440.4).

ClinVar aggregate classification (germline): Likely benign. Review status: criteria provided, multiple submitters, no conflicts (2 of 4 stars). 3 submissions from 3 submitters: Likely benign (2). 1 of the submissions does not count toward it. Last evaluated 2025-08-21.

Conditions:
Inborn genetic diseases. Identifiers: MedGen C0950123, MeSH D030342.
Rubinstein-Taybi syndrome due to EP300 haploinsufficiency. Also called: EP300-Related Rubinstein-Taybi Syndrome; RUBINSTEIN-TAYBI SYNDROME 2. Identifiers: Orphanet 353284, Orphanet 783, MedGen C3150941, MONDO:0013364, OMIM 613684.
EP300-related disorder. Also called: EP300-related condition; EP300-related disorders.

gnomAD v4.1: 21 of 1,613,894 alleles (0.0013%); highest among the groups gnomAD compares: Non-Finnish European, 0.0014%; no homozygotes.

Submissions (3):

Ambry Genetics
Classification: Likely benign for Inborn genetic diseases. Last evaluated: 2025-08-21. Review status: criteria provided, single submitter. Criteria: Ambry Variant Classification Scheme 2023. Collection method: clinical testing. Allele origin: germline.

Labcorp Genetics (formerly Invitae), Labcorp
Classification: Likely benign for Rubinstein-Taybi syndrome due to EP300 haploinsufficiency. Last evaluated: 2025-07-14. Review status: criteria provided, single submitter. Criteria: Invitae Variant Classification Sherloc (09022015). Collection method: clinical testing. Allele origin: germline.

PreventionGenetics, part of Exact Sciences
Classification: Likely benign for EP300-related condition. Last evaluated: 2024-01-30. Review status: no assertion criteria provided. Collection method: clinical testing. Allele origin: germline. Not counted in ClinVar's aggregate classification.
Comment: This variant is classified as likely benign based on ACMG/AMP sequence variant interpretation guidelines (Richards et al. 2015 PMID: 25741868, with internal and published modifications).